The following is an entry in ClinVar:

NM_000218.3(KCNQ1):c.1263_1265del (p.Lys422del)

Gene: KCNQ1 (potassium voltage-gated channel subfamily Q member 1; plus strand). Cytogenetic location: 11p15.5.
Variant type: Deletion.
Coding change: c.1263_1265del on transcript NM_000218.3 (MANE Select); coding-DNA positions 1263 to 1265, 3 bases deleted (AAA; older notation c.1263_1265delAAA).
Protein change: p.Lys422del; deletes lysine 422.
Molecular consequence: inframe deletion.
Genome position (GRCh38, 1-based): chr11:2,588,724-2,588,726, AAA deleted; deleting any 3 consecutive bases within chr11:2,588,719-2,588,726 gives the same sequence; the c. name uses the placement nearest the transcript's 3' end. VCF-style (leftmost placement, unchanged base first): chr11-2588718-GAAA-G. GRCh37 (hg19) VCF-style: chr11-2609948-GAAA-G.
Other names: c.882_884del, p.Lys295del (NM_181798.2); c.1167_1169del, p.Lys390del (NM_001406836.1); c.993_995del, p.Lys332del (NM_001406837.1); c.723_725del, p.Lys242del (NM_001406838.1); short protein forms K242del, K295del, K332del, K390del, K422del.
Identifiers: ClinVar variation 3627611 (VCV003627611.2).

ClinVar aggregate classification (germline): Uncertain significance (1 of 4 stars; one submission).

Conditions:
Long QT syndrome (LQTS). Identifiers: MedGen C0023976, MeSH D008133, MONDO:0002442. Disease mechanism: loss of function. Inheritance: Various modes of inheritance.

Submission:

Labcorp Genetics (formerly Invitae), Labcorp
Classification: Uncertain significance for Long QT syndrome. Last evaluated: 2024-04-06. Review status: criteria provided, single submitter. Criteria: Invitae Variant Classification Sherloc (09022015). Collection method: clinical testing. Allele origin: germline.
Comment: This variant, c.1263_1265del, results in the deletion of 1 amino acid(s) of the KCNQ1 protein (p.Lys422del), but otherwise preserves the integrity of the reading frame. This variant is not present in population databases (gnomAD no frequency). This variant has not been reported in the literature in individuals affected with KCNQ1-related conditions. Experimental studies and prediction algorithms are not available or were not evaluated, and the functional significance of this variant is currently unknown. This variant disrupts a region of the KCNQ1 protein in which other variant(s) (p.Lys422Thr) have been observed in individuals with KCNQ1-related conditions (PMID: 23995305). This suggests that this is a clinically significant region of the protein, and that variants that disrupt it are likely to be disease-causing. In summary, the available evidence is currently insufficient to determine the role of this variant in disease. Therefore, it has been classified as a Variant of Uncertain Significance.

Literature cited by the submitters: PubMed 23995305.